The following is an entry in ClinVar:

ClinVar aggregate classification (germline): Uncertain significance. Review status: criteria provided, multiple submitters, no conflicts (2 of 4 stars). 2 submissions from 2 submitters: Uncertain significance (2). Last evaluated 2025-04-17.

Conditions:
Primary ciliary dyskinesia 2. Also called: CILIARY DYSKINESIA, PRIMARY, 2, WITH OR WITHOUT SITUS INVERSUS. Identifiers: Orphanet 244, MedGen C1847554, MONDO:0011718, OMIM 606763.
Primary ciliary dyskinesia. Also called: Ciliary dyskinesia. Identifiers: Orphanet 244, MedGen C0008780, MONDO:0016575, HP:0012265.

gnomAD v4.1: 31 of 1,610,662 alleles (0.0019%); highest among the groups gnomAD compares: African/African-American, 0.031%; no homozygotes.

Submissions (2):

Labcorp Genetics (formerly Invitae), Labcorp
Classification: Uncertain significance for Primary ciliary dyskinesia. Last evaluated: 2025-04-17. Review status: criteria provided, single submitter. Criteria: Invitae Variant Classification Sherloc (09022015). Collection method: clinical testing. Allele origin: germline.
Comment: This sequence change replaces alanine, which is neutral and non-polar, with aspartic acid, which is acidic and polar, at codon 596 of the DNAAF3 protein (p.Ala596Asp). This variant is present in population databases (rs375778499, gnomAD 0.02%). This variant has not been reported in the literature in individuals affected with DNAAF3-related conditions. An algorithm developed to predict the effect of missense changes on protein structure and function (PolyPhen-2) suggests that this variant is likely to be disruptive. In summary, the available evidence is currently insufficient to determine the role of this variant in disease. Therefore, it has been classified as a Variant of Uncertain Significance.

ARUP Laboratories, Molecular Genetics and Genomics, ARUP Laboratories
Classification: Uncertain significance for Primary ciliary dyskinesia 2. Last evaluated: 2025-01-30. Review status: criteria provided, single submitter. Criteria: ARUP Molecular Germline Variant Investigation Process 2024. Collection method: clinical testing. Allele origin: germline.
Comment: The DNAAF3 c.1727C>A; p.Ala576Asp variant (rs375778499), to our knowledge, is not reported in the medical literature or gene specific databases. This variant is found in the African/African-American population with an allele frequency of 0.02% (4/23,818 alleles) in the Genome Aggregation Database (v2.1.1). Computational analyses predict that this variant is neutral (REVEL: 0.034). Due to limited information, the clinical significance of this variant is uncertain at this time.

NM_001256715.2(DNAAF3):c.1586C>A (p.Ala529Asp)

Gene: DNAAF3 (dynein axonemal assembly factor 3; minus strand). Cytogenetic location: 19q13.42.
Variant type: single nucleotide variant.
Coding change: c.1586C>A on transcript NM_001256715.2 (MANE Select); coding-DNA position 1586, C replaced by A.
Protein change: p.Ala529Asp; replaces alanine 529 with aspartic acid.
Molecular consequence: missense variant.
Genome position (GRCh38, 1-based): chr19:55,159,102, G>T on the plus strand (C>A on the coding strand, the complement: DNAAF3 is on the minus strand). VCF-style: chr19-55159102-G-T. GRCh37 (hg19) VCF-style: chr19-55670470-G-T.
Other names: c.1787C>A, p.Ala596Asp (NM_001256714.1); c.1424C>A, p.Ala475Asp (NM_001256716.2); c.1727C>A, p.Ala576Asp (NM_178837.4); short protein forms A475D, A529D, A576D, A596D.
Identifiers: ClinVar variation 4685599 (VCV004685599.2).